The following is an entry in ClinVar:

ClinVar aggregate classification (germline): Pathogenic (1 of 4 stars; one submission).

Conditions:
Supravalvar aortic stenosis (SVAS). Also called: Supravalvar aortic stenosis, Eisenberg type. Identifiers: Orphanet 3193, MedGen C0003499, MONDO:0008504, OMIM 185500, HP:0004381.

Submission:

Labcorp Genetics (formerly Invitae), Labcorp
Classification: Pathogenic for Supravalvar aortic stenosis. Last evaluated: 2023-08-23. Review status: criteria provided, single submitter. Criteria: Invitae Variant Classification Sherloc (09022015). Collection method: clinical testing. Allele origin: unknown.
Comment: This variant is a gross deletion of the genomic region encompassing exon(s) 31-34 of the ELN gene, which includes the termination codon. This deletion extends beyond the assayed region for this gene and therefore may encompass additional genes. While this deletion is not anticipated to lead to nonsense mediated decay, it is expected to alter mRNA translation or result in a truncated protein product. This variant has not been reported in the literature in individuals affected with ELN-related conditions. This variant disrupts a region of the ELN protein in which other variant(s) (Deletion (Exon 34)) have been determined to be pathogenic (PMID: 30228022). This suggests that this is a clinically significant region of the protein, and that variants that disrupt it are likely to be disease-causing. For these reasons, this variant has been classified as Pathogenic.

Literature cited by the submitters: PubMed 30228022.

NC_000007.13:g.(?_73480004)_(73483030_?)del

Gene: ELN (elastin; plus strand). Cytogenetic location: 7q11.23.
Variant type: Deletion.
Identifiers: ClinVar variation 3245620 (VCV003245620.1).